The following is an entry in ClinVar:

ClinVar aggregate classification (germline): Uncertain significance. Review status: criteria provided, multiple submitters, no conflicts (2 of 4 stars). 2 submissions from 2 submitters: Uncertain significance (2). Last evaluated 2025-04-19.

Conditions:
Inborn genetic diseases. Identifiers: MedGen C0950123, MeSH D030342.

Allele frequency attached by ClinVar (database versions not stated): gnomAD exomes below 0.00001; gnomAD 0.00001; TOPMed 0.00001.
gnomAD v4.1: 3 of 1,611,668 alleles (0.00019%); highest among the groups gnomAD compares: Admixed American, 0.0033%; no homozygotes.

Submissions (2):

Ambry Genetics
Classification: Uncertain significance for Inborn genetic diseases. Last evaluated: 2025-04-19. Review status: criteria provided, single submitter. Criteria: Ambry Variant Classification Scheme 2023. Collection method: clinical testing. Allele origin: germline.

Labcorp Genetics (formerly Invitae), Labcorp
Classification: Uncertain significance. Last evaluated: 2022-03-02. Review status: criteria provided, single submitter. Criteria: Invitae Variant Classification Sherloc (09022015). Collection method: clinical testing. Allele origin: germline.
Comment: Algorithms developed to predict the effect of missense changes on protein structure and function are either unavailable or do not agree on the potential impact of this missense change (SIFT: "Tolerated"; PolyPhen-2: "Not Available"; Align-GVGD: "Class C0"). In summary, the available evidence is currently insufficient to determine the role of this variant in disease. Therefore, it has been classified as a Variant of Uncertain Significance. This variant has not been reported in the literature in individuals affected with DVL1-related conditions. This variant is not present in population databases (gnomAD no frequency). This sequence change replaces proline, which is neutral and non-polar, with serine, which is neutral and polar, at codon 526 of the DVL1 protein (p.Pro526Ser).

NM_001330311.2(DVL1):c.1651C>T (p.Pro551Ser)

Gene: DVL1 (dishevelled segment polarity protein 1; minus strand). Cytogenetic location: 1p36.33.
Variant type: single nucleotide variant.
Coding change: c.1651C>T on transcript NM_001330311.2 (MANE Select); coding-DNA position 1651, C replaced by T.
Protein change: p.Pro551Ser; replaces proline 551 with serine.
Molecular consequence: missense variant.
Genome position (GRCh38, 1-based): chr1:1,338,040, G>A on the plus strand (C>T on the coding strand, the complement: DVL1 is on the minus strand). VCF-style: chr1-1338040-G-A. GRCh37 (hg19) VCF-style: chr1-1273420-G-A.
Other names: c.1576C>T (NM_004421.2); c.1576C>T, p.Pro526Ser (NM_004421.3); short protein forms P551S, P526S.
Identifiers: ClinVar variation 1938516 (VCV001938516.6), dbSNP rs1267287838, ClinGen allele CA337859100.